The following is an entry in ClinVar:

ClinVar aggregate classification (germline): Uncertain significance (1 of 4 stars; one submission).

Conditions:
MEDNIK syndrome (MEDNIK). Also called: ERYTHROKERATODERMIA VARIABILIS, KAMOURASKA TYPE. Identifiers: Orphanet 171851, MedGen C1836330, MONDO:0012251, OMIM 609313.

Submission:

Neuberg Centre For Genomic Medicine, NCGM
Classification: Uncertain significance for MEDNIK syndrome. Last evaluated: 2023-03-01. Review status: criteria provided, single submitter. Criteria: ACMG Guidelines, 2015. Collection method: clinical testing. Allele origin: germline. Inheritance: Autosomal recessive inheritance. Affected: yes.
Comment: The missense c.298G>A(p.Glu100Lys) variant in AP1S1 gene has not been reported previously as a pathogenic variant nor as a benign variant, to our knowledge. The p.Glu100Lys variant is novel (not in any individuals) in gnomAD Exomes and 1000 Genomes database. This variant has not been reported to the ClinVar database. The amino acid change p.Glu100Lys in AP1S1 is predicted as conserved by GERP++ and PhyloP across 100 vertebrates. The amino acid Glu at position 100 is changed to a Lys changing protein sequence and it might alter its composition and physico-chemical properties. For these reasons, this variant has been classified as Variant of Uncertain Significance (VUS).

NM_001283.5(AP1S1):c.298G>A (p.Glu100Lys)

Gene: AP1S1 (adaptor related protein complex 1 subunit sigma 1; plus strand). Cytogenetic location: 7q22.1.
Variant type: single nucleotide variant.
Coding change: c.298G>A on transcript NM_001283.5 (MANE Select); coding-DNA position 298, G replaced by A.
Protein change: p.Glu100Lys; replaces glutamic acid 100 with lysine.
Molecular consequence: missense variant.
Genome position (GRCh38, 1-based): chr7:101,159,065, G>A. VCF-style: chr7-101159065-G-A. GRCh37 (hg19) VCF-style: chr7-100802346-G-A.
Other names: short protein forms E100K.
Identifiers: ClinVar variation 2671789 (VCV002671789.1), dbSNP rs1755480609, ClinGen allele CA368625876.